The following is an entry in ClinVar:

NM_000521.4(HEXB):c.707G>A (p.Trp236Ter)

Gene: HEXB (hexosaminidase subunit beta; plus strand). Cytogenetic location: 5q13.3.
Variant type: single nucleotide variant.
Coding change: c.707G>A on transcript NM_000521.4 (MANE Select); coding-DNA position 707, G replaced by A.
Protein change: p.Trp236Ter; replaces tryptophan 236 with a stop codon.
Molecular consequence: nonsense.
Genome position (GRCh38, 1-based): chr5:74,705,256, G>A. VCF-style: chr5-74705256-G-A. GRCh37 (hg19) VCF-style: chr5-74001081-G-A.
Other names: c.32G>A, p.Trp11Ter (NM_001292004.2); short protein forms W11*, W236*.
Identifiers: ClinVar variation 2902766 (VCV002902766.3), dbSNP rs1197449920, ClinGen allele CA360065652.

ClinVar aggregate classification (germline): Pathogenic (1 of 4 stars; one submission).

Conditions:
Sandhoff disease. Also called: Beta-hexosaminidase-beta-subunit deficiency; GM2 gangliosidosis, type 2; Total hexosaminidase deficiency; Sandhoff-Jatzkewitz-Pilz disease; GM2-GANGLIOSIDOSIS, TYPE II; HEXOSAMINIDASES A AND B DEFICIENCY. Identifiers: Orphanet 796, MedGen C0036161, MONDO:0010006, OMIM 268800.

Allele frequency attached by ClinVar (database versions not stated): gnomAD exomes below 0.00001.
gnomAD v4.1: 2 of 1,612,318 alleles (0.00012%); highest among the groups gnomAD compares: Non-Finnish European, 0.00017%; no homozygotes.

Submission:

Labcorp Genetics (formerly Invitae), Labcorp
Classification: Pathogenic for Sandhoff disease. Last evaluated: 2022-11-23. Review status: criteria provided, single submitter. Criteria: Invitae Variant Classification Sherloc (09022015). Collection method: clinical testing. Allele origin: germline.
Comment: For these reasons, this variant has been classified as Pathogenic. Algorithms developed to predict the effect of sequence changes on RNA splicing suggest that this variant may disrupt the consensus splice site. This variant has not been reported in the literature in individuals affected with HEXB-related conditions. This variant is present in population databases (no rsID available, gnomAD 0.002%). This sequence change creates a premature translational stop signal (p.Trp236*) in the HEXB gene. It is expected to result in an absent or disrupted protein product. Loss-of-function variants in HEXB are known to be pathogenic (PMID: 7550345, 18758829).

Literature cited by the submitters: PubMed 7550345; PubMed 18758829.